The following is an entry in ClinVar:

ClinVar aggregate classification (germline): Pathogenic/Likely pathogenic. Review status: criteria provided, multiple submitters, no conflicts (2 of 4 stars). 2 submissions from 2 submitters: Pathogenic (1); Likely pathogenic (1). Last evaluated 2026-06-26.

Conditions:
Rhabdoid tumor predisposition syndrome 2 (RTPS2). Identifiers: Orphanet 231108, Orphanet 69077, MedGen C2750074, MONDO:0013224, OMIM 613325.

Submissions (2):

Myriad Genetics, Inc.
Classification: Pathogenic for Rhabdoid tumor predisposition syndrome 2. Last evaluated: 2026-06-26. Review status: criteria provided, single submitter. Criteria: Myriad Autosomal Dominant, Autosomal Recessive and X-Linked Classification Criteria (2023). Collection method: clinical testing. Allele origin: unknown.
Comment: This variant is considered pathogenic. This variant creates a frameshift predicted to result in premature protein truncation.

Institute for Genomic Medicine (IGM) Clinical Laboratory, Nationwide Children's Hospital
Classification: Likely pathogenic for Rhabdoid tumor predisposition syndrome 2. Last evaluated: 2024-09-13. Review status: criteria provided, single submitter. Criteria: ACMG Guidelines, 2015. Collection method: clinical testing. Allele origin: germline.
Comment: This variant is predicted to result in loss of function through nonsense-mediated decay of the encoded transcript or premature truncation of the encoded protein in a gene in which loss of function is a known mechanism of disease (ACMG/AMP: PVS1; PMIDs:33907931, 25060813, 20137775). This variant is absent from or present at an exceedingly low frequency in gnomAD, a large-scale control population database (ACMG/AMP: PM2).

Literature cited by the submitters: PubMed 33907931 (cited by Institute for Genomic Medicine (IGM) Clinical Laboratory, Nationwide Children's Hospital); PubMed 25060813 (cited by Institute for Genomic Medicine (IGM) Clinical Laboratory, Nationwide Children's Hospital); PubMed 20137775 (cited by Institute for Genomic Medicine (IGM) Clinical Laboratory, Nationwide Children's Hospital).

NM_003072.5(SMARCA4):c.3229dup (p.Arg1077fs)

Gene: SMARCA4 (SWI/SNF related BAF chromatin remodeling complex subunit ATPase 4; plus strand). Cytogenetic location: 19p13.2.
Variant type: Duplication.
Coding change: c.3229dup on transcript NM_003072.5 (MANE Select); coding-DNA position 3229, one base duplicated (C; older notation c.3229dupC).
Protein change: p.Arg1077fs; shifts the reading frame from arginine 1077.
Molecular consequence: frameshift variant. On other transcripts: non-coding transcript variant (1).
Genome position (GRCh38, 1-based): chr19:11,027,797, C duplicated; the last of 2 consecutive C bases (chr19:11,027,796-11,027,797); duplicating either gives the same sequence. VCF-style (leftmost placement, unchanged base first): chr19-11027795-A-AC. GRCh37 (hg19) VCF-style: chr19-11138471-A-AC.
Other names: c.3229dup, p.Arg1077fs (NM_001374457.1, NM_001387283.1, NM_001411150.1 and 6 more transcripts); short protein forms R1077fs.
Identifiers: ClinVar variation 4759317 (VCV004759317.2).
Genomic context (GRCh38, chr19:11,027,795, plus strand): 5'-TCCAGGTTTAACATCCTGCGCCTTCTCTCCTGCCTCCTCCACACTCCAGGCTGGACCTGT[A>AC]CCGAGCCTCGGGTAAATTTGAGCTTCTTGATAGAATTCTTCCCAAACTCCGAGCAACCAA-3'